The following is an entry in ClinVar:

ClinVar aggregate classification (germline): Likely pathogenic (1 of 4 stars; one submission).

Conditions:
Fabry disease. Also called: ALPHA-GALACTOSIDASE A DEFICIENCY; ANDERSON-FABRY DISEASE; CERAMIDE TRIHEXOSIDASE DEFICIENCY; GLA DEFICIENCY; HEREDITARY DYSTOPIC LIPIDOSIS; Angiokeratoma corporis diffusum. Identifiers: Orphanet 324, MedGen C0002986, MONDO:0010526, OMIM 301500, HP:0001071. Disease mechanism: Fabry disease is due to inactivating mutations in the X-linked GLA gene resulting in deficiency of the enzyme Alpha Galactosidase-A., loss of function.

Submission:

Genomenon, Inc
Classification: Likely pathogenic for Fabry disease. Last evaluated: 2026-09-08. Review status: criteria provided, single submitter. Criteria: Genomenon Sequence Variant Interpretation Standards - Updated. Collection method: curation. Allele origin: germline. Affected: yes.
Comment: GLA p.Gly183Ala (c.548G>C) is a missense variant that changes the amino acid at codon 183 from Glycine to Alanine. This variant has been observed in at least one proband with clinical features consistent with Fabry disease (PMID:28749998;32442237;31242288;30477121;28069318;31770509;19941952). The variant was found to segregate with disease in at least one affected family (PMID:28069318). Functional or patient cell studies have been reported (PMID:24386359;32023956;32432376;27657681;31770509;28069318). Splicing studies have been reported (PMID:36499585). It is absent or not present at a significant frequency in gnomAD. In silico models predict that this variant is possibly or probably damaging. In conclusion, we classify GLA p.Gly183Ala (c.548G>C) as a likely pathogenic variant.

Literature cited by the submitters: PubMed 28749998; PubMed 32442237; PubMed 31242288; PubMed 30477121; PubMed 28069318; PubMed 31770509; PubMed 19941952; PubMed 24386359; PubMed 32023956; PubMed 32432376; PubMed 27657681; PubMed 36499585.

NM_000169.3(GLA):c.548G>C (p.Gly183Ala)

Genes: GLA (galactosidase alpha; minus strand), RPL36A-HNRNPH2 (RPL36A-HNRNPH2 readthrough; plus strand). Cytogenetic location: Xq22.1.
Variant type: single nucleotide variant.
Coding change: c.548G>C on transcript NM_000169.3 (MANE Select); coding-DNA position 548, G replaced by C.
Protein change: p.Gly183Ala; replaces glycine 183 with alanine.
Molecular consequence: missense variant. On other transcripts: non-coding transcript variant (2), intron variant (2).
Genome position (GRCh38, 1-based): chrX:101,400,757, C>G on the plus strand (G>C on the coding strand, the complement: GLA is on the minus strand). VCF-style: chrX-101400757-C-G. GRCh37 (hg19) VCF-style: chrX-100655745-C-G.
Other names: c.671G>C, p.Gly224Ala (NM_001406747.1); c.548G>C, p.Gly183Ala (NM_001406748.1); c.300+5300C>G (NM_001199973.2); c.177+8935C>G (NM_001199974.2); short protein forms G183A, G224A.
Identifiers: ClinVar variation 4087415 (VCV004087415.2), dbSNP rs398123212.